The following is an entry in ClinVar:

ClinVar aggregate classification (germline): Uncertain significance (1 of 4 stars; one submission).

Submission:

Labcorp Genetics (formerly Invitae), Labcorp
Classification: Uncertain significance. Last evaluated: 2025-03-26. Review status: criteria provided, single submitter. Criteria: Invitae Variant Classification Sherloc (09022015). Collection method: clinical testing. Allele origin: germline.
Comment: This sequence change creates a premature translational stop signal (p.Asp285Thrfs*21) in the IKZF1 gene. While this is not anticipated to result in nonsense mediated decay, it is expected to disrupt the last 235 amino acid(s) of the IKZF1 protein. This variant is not present in population databases (gnomAD no frequency). This variant has not been reported in the literature in individuals affected with IKZF1-related conditions. Experimental studies and prediction algorithms are not available or were not evaluated, and the functional significance of this variant is currently unknown. In summary, the available evidence is currently insufficient to determine the role of this variant in disease. Therefore, it has been classified as a Variant of Uncertain Significance.

NM_006060.6(IKZF1):c.846del (p.Asp285fs)

Gene: IKZF1 (IKAROS family zinc finger 1; plus strand). Cytogenetic location: 7p12.2.
Variant type: Deletion.
Coding change: c.846del on transcript NM_006060.6 (MANE Select); coding-DNA position 846, one base deleted (T; older notation c.846delT).
Protein change: p.Asp285fs; shifts the reading frame from aspartic acid 285.
Molecular consequence: frameshift variant. On other transcripts: intron variant (7).
Genome position (GRCh38, 1-based): chr7:50,391,859, T deleted; the last of 3 consecutive T bases (chr7:50,391,857-50,391,859); deleting any one gives the same sequence. VCF-style (leftmost placement, unchanged base first): chr7-50391856-AT-A. GRCh37 (hg19) VCF-style: chr7-50459554-AT-A.
Other names: c.720del, p.Asp243fs (NM_001220765.3, NM_001291837.2); c.585del, p.Asp198fs (NM_001291838.2); c.459del, p.Asp156fs (NM_001291839.2); c.417del, p.Asp142fs (NM_001291841.1); c.291del, p.Asp100fs (NM_001291843.1); c.906del, p.Asp305fs (NM_001410879.1); c.590-8059del (NM_001220768.2); c.422-8059del (NM_001220771.2); and 5 more; short protein forms D243fs, D285fs, D100fs, D142fs, D156fs, D305fs, D198fs.
Identifiers: ClinVar variation 4716032 (VCV004716032.1).
Genomic context (GRCh38, chr7:50,391,856, plus strand): 5'-TCTCGTGCTGGACAGACTAGCAAGTAACGTCGCCAAACGTAAGAGCTCTATGCCTCAGAA[AT>A]TTCTTGGTAAGAGTTAAATGTTTGCTGTCTCTTAAAAAAAAACTATGTGGGTGTTTTAGA-3'